The following is an entry in ClinVar:

ClinVar aggregate classification (germline): Uncertain significance (1 of 4 stars; one submission).

Conditions:
Primary ciliary dyskinesia 15. Also called: CILIARY DYSKINESIA, PRIMARY, 15, WITH OR WITHOUT SITUS INVERSUS. Identifiers: Orphanet 244, MedGen C3151137, MONDO:0013435, OMIM 613808.

Submission:

Victorian Clinical Genetics Services, Murdoch Childrens Research Institute
Classification: Uncertain significance for Primary ciliary dyskinesia 15. Last evaluated: 2023-07-17. Review status: criteria provided, single submitter. Criteria: ACMG Guidelines, 2015. Collection method: clinical testing. Allele origin: germline. Inheritance: Autosomal recessive inheritance. Affected: no.
Comment: Based on the classification scheme VCGS_Germline_v1.3.4, this variant is classified as VUS-3B. Following criteria are met: 0102 - Loss of function is a likely mechanism of disease in this gene and is associated with primary ciliary dyskinesia 15 MIM#613808. (I) 0106 - This gene is associated with autosomal recessive disease. (I) 0216 - In-frame deletion in a non-repetitive region that has low conservation. (SP) 0251 - This variant is heterozygous. (I) 0301 - Variant is absent from gnomAD (both v2 and v3). (SP) 0604 - Variant is not located in an established domain, motif, hotspot or informative constraint region. (I) 0705 - No comparable in-frame deletion variants have previous evidence for pathogenicity. (I) 0807 - This variant has no previous evidence of pathogenicity. (I) 0905 - No published segregation evidence has been identified for this variant. (I) 1007 - No published functional evidence has been identified for this variant. (I) Legend: (SP) - Supporting pathogenic, (I) - Information, (SB) - Supporting benign

NM_017950.4(CCDC40):c.2096_2104del (p.Asp699_Asp701del)

Gene: CCDC40 (coiled-coil domain 40 molecular ruler complex subunit; plus strand). Cytogenetic location: 17q25.3.
Variant type: Deletion.
Coding change: c.2096_2104del on transcript NM_017950.4 (MANE Select); coding-DNA positions 2096 to 2104, 9 bases deleted (ACCAGGACG; older notation c.2096_2104delACCAGGACG).
Protein change: p.Asp699_Asp701del.
Molecular consequence: inframe deletion.
Genome position (GRCh38, 1-based): chr17:80,084,849-80,084,857, ACCAGGACG deleted; deleting any 9 consecutive bases within chr17:80,084,848-80,084,857 gives the same sequence; the c. name uses the placement nearest the transcript's 3' end. VCF-style (leftmost placement, unchanged base first): chr17-80084847-GGACCAGGAC-G. GRCh37 (hg19) VCF-style: chr17-78058646-GGACCAGGAC-G.
Other names: c.2096_2104del, p.Asp699_Asp701del (NM_001243342.2).
Identifiers: ClinVar variation 3254712 (VCV003254712.1), dbSNP rs2510314405.